The following is an entry in ClinVar:

ClinVar aggregate classification (germline): Conflicting classifications of pathogenicity. Review status: criteria provided, conflicting classifications (1 of 4 stars). 4 submissions from 4 submitters: Uncertain significance (3); Likely benign (1). Last evaluated 2026-01-26.

Conditions:
Inborn genetic diseases. Identifiers: MedGen C0950123, MeSH D030342.
Charcot-Marie-Tooth disease type 4. Also called: Charcot-Marie-Tooth, Type 4; Charcot-Marie-Tooth disease, type IV. Identifiers: Orphanet 64749, MedGen C4082197, MONDO:0018995.

Allele frequency attached by ClinVar (database versions not stated): gnomAD exomes 0.00004 and 0.00009; ExAC 0.00013; gnomAD 0.00032 and 0.00036; ESP Exome Variant Server 0.00038; 1000 Genomes Project 30x 0.00047; TOPMed 0.00048; 1000 Genomes Project 0.00060.
gnomAD v4.1: 111 of 1,614,058 alleles (0.0069%); highest among the groups gnomAD compares: African/African-American, 0.12%; no homozygotes.

Submissions (4):

Labcorp Genetics (formerly Invitae), Labcorp
Classification: Likely benign for Charcot-Marie-Tooth disease type 4. Last evaluated: 2026-01-26. Review status: criteria provided, single submitter. Criteria: Invitae Variant Classification Sherloc (09022015). Collection method: clinical testing. Allele origin: germline.

Ambry Genetics
Classification: Uncertain significance for Inborn genetic diseases. Last evaluated: 2025-01-31. Review status: criteria provided, single submitter. Criteria: Ambry Variant Classification Scheme 2023. Collection method: clinical testing. Allele origin: germline.

Mayo Clinic Laboratories, Mayo Clinic
Classification: Uncertain significance. Last evaluated: 2025-01-28. Review status: criteria provided, single submitter. Criteria: ACMG Guidelines, 2015. Collection method: clinical testing. Allele origin: germline. Observed: 2 variant alleles.
Comment: BP4_moderate

GeneDx
Classification: Uncertain significance. Last evaluated: 2019-08-21. Review status: criteria provided, single submitter. Criteria: GeneDx Variant Classification Process June 2021. Collection method: clinical testing. Allele origin: germline. Affected: yes.
Comment: In silico analysis, which includes protein predictors and evolutionary conservation, supports that this variant does not alter protein structure/function; Has not been previously published as pathogenic or benign to our knowledge

NM_024577.4(SH3TC2):c.1522G>A (p.Val508Met)

Gene: SH3TC2 (SH3 domain and tetratricopeptide repeats 2; minus strand). Cytogenetic location: 5q32.
Variant type: single nucleotide variant.
Coding change: c.1522G>A on transcript NM_024577.4 (MANE Select); coding-DNA position 1522, G replaced by A.
Protein change: p.Val508Met; replaces valine 508 with methionine.
Molecular consequence: missense variant.
Genome position (GRCh38, 1-based): chr5:149,028,210, C>T on the plus strand (G>A on the coding strand, the complement: SH3TC2 is on the minus strand). VCF-style: chr5-149028210-C-T. GRCh37 (hg19) VCF-style: chr5-148407773-C-T.
Other names: p.Val508Met; short protein forms V508M.
Identifiers: ClinVar variation 476886 (VCV000476886.21), dbSNP rs148155691, ClinGen allele CA3499161.